The following is an entry in ClinVar:

ClinVar aggregate classification (germline): Uncertain significance (1 of 4 stars; one submission).

Conditions:
Maple syrup urine disease type 1A (MSUD1A). Also called: MSUD type 1A. Identifiers: MedGen C1855369, MONDO:0023691, OMIM 248600.

gnomAD v4.1: 1 of 1,614,202 alleles (0.000062%); no homozygotes.

Submission:

3billion
Classification: Uncertain significance for Maple syrup urine disease type 1A. Last evaluated: 2024-08-30. Review status: criteria provided, single submitter. Criteria: ACMG Guidelines, 2015. Collection method: clinical testing. Allele origin: germline. Affected: yes.
Comment: The variant is observed at an extremely low frequency in the gnomAD v4.0.0 dataset (total allele frequency: <0.001%). Predicted Consequence/Location: Missense variant Damaging effect on gene or gene product predicted by in silico programs is uncertain [REVEL: 0.599 (damaging >=0.6, benign <0.4)]. Therefore, this variant is classified as VUS according to the recommendation of ACMG/AMP guideline.

NM_000709.4(BCKDHA):c.154C>T (p.Pro52Ser)

Gene: BCKDHA (branched chain keto acid dehydrogenase E1 subunit alpha; plus strand). Cytogenetic location: 19q13.2.
Variant type: single nucleotide variant.
Coding change: c.154C>T on transcript NM_000709.4 (MANE Select); coding-DNA position 154, C replaced by T.
Protein change: p.Pro52Ser; replaces proline 52 with serine.
Molecular consequence: missense variant.
Genome position (GRCh38, 1-based): chr19:41,410,682, C>T. VCF-style: chr19-41410682-C-T. GRCh37 (hg19) VCF-style: chr19-41916587-C-T.
Other names: c.154C>T, p.Pro52Ser (NM_001164783.2); short protein forms P52S.
Identifiers: ClinVar variation 4292943 (VCV004292943.1).